The following is an entry in ClinVar:

ClinVar aggregate classification (germline): Pathogenic (1 of 4 stars; one submission).

Conditions:
Hereditary cancer-predisposing syndrome. Also called: Neoplastic Syndromes, Hereditary; Tumor predisposition; Hereditary Cancer Syndrome; Hereditary neoplastic syndrome. Identifiers: Orphanet 140162, MedGen C0027672, MeSH D009386, MONDO:0015356.

Submission:

Ambry Genetics
Classification: Pathogenic for Hereditary cancer-predisposing syndrome. Last evaluated: 2025-03-23. Review status: criteria provided, single submitter. Criteria: Ambry Variant Classification Scheme 2023. Collection method: clinical testing. Allele origin: germline.
Comment: The c.2624delG pathogenic mutation, located in coding exon 16 of the ATM gene, results from a deletion of one nucleotide at nucleotide position 2624, causing a translational frameshift with a predicted alternate stop codon. This alteration is expected to result in loss of function by premature protein truncation or nonsense-mediated mRNA decay. As such, this alteration is interpreted as a disease-causing mutation.

NM_000051.4(ATM):c.2624del (p.Ser875fs)

Gene: ATM (ATM serine/threonine kinase; plus strand). Cytogenetic location: 11q22.3.
Variant type: Deletion.
Coding change: c.2624del on transcript NM_000051.4 (MANE Select); coding-DNA position 2624, one base deleted (G; older notation c.2624delG).
Protein change: p.Ser875fs; shifts the reading frame from serine 875.
Molecular consequence: frameshift variant.
Genome position (GRCh38, 1-based): chr11:108,267,328, G deleted. VCF-style (leftmost placement, unchanged base first): chr11-108267327-AG-A. GRCh37 (hg19) VCF-style: chr11-108138054-AG-A.
Other names: c.2624del, p.Ser875fs (NM_001351834.2); c.2624delG (NM_000051.3); short protein forms S875fs.
Identifiers: ClinVar variation 482640 (VCV000482640.6), dbSNP rs1555082344, ClinGen allele CA658656244.